The following is an entry in ClinVar:

ClinVar aggregate classification (germline): Pathogenic/Likely pathogenic. Review status: criteria provided, multiple submitters, no conflicts (2 of 4 stars). 2 submissions from 2 submitters: Pathogenic (1); Likely pathogenic (1). Last evaluated 2023-05-01.

Submissions (2):

CeGaT Center for Human Genetics Tuebingen
Classification: Pathogenic. Last evaluated: 2023-05-01. Review status: criteria provided, single submitter. Criteria: CeGaT Center For Human Genetics Tuebingen Variant Classification Criteria Version 2. Collection method: clinical testing. Allele origin: germline. Affected: yes. Observed: 1 variant allele.
Comment: TK2: PVS1, PM2

Labcorp Genetics (formerly Invitae), Labcorp
Classification: Likely pathogenic. Last evaluated: 2022-10-11. Review status: criteria provided, single submitter. Criteria: Invitae Variant Classification Sherloc (09022015). Collection method: clinical testing. Allele origin: germline.
Comment: This variant results in the deletion of part of exon 2 (c.125-1_127del) of the TK2 gene. It is expected to disrupt RNA splicing. Variants that disrupt the donor or acceptor splice site typically lead to a loss of protein function (PMID: 16199547), and loss-of-function variants in TK2 are known to be pathogenic (PMID: 20421844). This variant is not present in population databases (gnomAD no frequency). This variant has not been reported in the literature in individuals affected with TK2-related conditions. Algorithms developed to predict the effect of sequence changes on RNA splicing suggest that this variant may disrupt the consensus splice site. In summary, the currently available evidence indicates that the variant is pathogenic, but additional data are needed to prove that conclusively. Therefore, this variant has been classified as Likely Pathogenic.

Literature cited by the submitters: PubMed 16199547 (cited by Labcorp Genetics (formerly Invitae), Labcorp); PubMed 20421844 (cited by Labcorp Genetics (formerly Invitae), Labcorp).

NM_004614.5(TK2):c.125-1_127del

Gene: TK2 (thymidine kinase 2; minus strand). Cytogenetic location: 16q21.
Variant type: Deletion.
Coding change: c.125-1_127del on transcript NM_004614.5 (MANE Select); the canonical splice acceptor site of the intron before coding-DNA position 125 through coding-DNA position 127, 4 bases deleted (GATA; older notation c.125-1_127delGATA).
Molecular consequence: splice acceptor variant. On other transcripts: non-coding transcript variant (1).
Genome position (GRCh38, 1-based): chr16:66,549,007-66,549,010, TATC deleted on the plus strand (GATA on the coding strand, the reverse complement: TK2 is on the minus strand); deleting any 4 consecutive bases within chr16:66,549,007-66,549,012 gives the same sequence; the c. name uses the placement nearest the transcript's 3' end. VCF-style (leftmost placement, unchanged base first): chr16-66549006-TTATC-T. GRCh37 (hg19) VCF-style: chr16-66582909-TTATC-T.
Other names: c.32-1_34del (NM_001271935.1, NM_001172643.1); c.125-1_127del (NM_001172644.2, NM_001172645.2); c.-118-1_-116del (NM_001271934.2); c.-167-1_-165del (NM_001272050.2).
Identifiers: ClinVar variation 2010573 (VCV002010573.31), dbSNP rs2507209157, ClinGen allele CA2580091761.